The following is an entry in ClinVar:

ClinVar aggregate classification (germline): Uncertain significance (1 of 4 stars; one submission).

Conditions:
Fanconi anemia (FA). Also called: Fanconi's anemia. Identifiers: Orphanet 84, MedGen C0015625, MeSH D005199, MONDO:0019391.

Submission:

Labcorp Genetics (formerly Invitae), Labcorp
Classification: Uncertain significance for Fanconi anemia. Last evaluated: 2023-03-17. Review status: criteria provided, single submitter. Criteria: Invitae Variant Classification Sherloc (09022015). Collection method: clinical testing. Allele origin: germline.
Comment: This variant has not been reported in the literature in individuals affected with FANCM-related conditions. An algorithm developed to predict the effect of missense changes on protein structure and function (PolyPhen-2) suggests that this variant is likely to be disruptive. In summary, the available evidence is currently insufficient to determine the role of this variant in disease. Therefore, it has been classified as a Variant of Uncertain Significance. This variant is not present in population databases (gnomAD no frequency). This sequence change replaces serine, which is neutral and polar, with tyrosine, which is neutral and polar, at codon 274 of the FANCM protein (p.Ser274Tyr).

NM_020937.4(FANCM):c.821C>A (p.Ser274Tyr)

Gene: FANCM (FA complementation group M; plus strand). Cytogenetic location: 14q21.2.
Variant type: single nucleotide variant.
Coding change: c.821C>A on transcript NM_020937.4 (MANE Select); coding-DNA position 821, C replaced by A.
Protein change: p.Ser274Tyr; replaces serine 274 with tyrosine.
Molecular consequence: missense variant.
Genome position (GRCh38, 1-based): chr14:45,148,898, C>A. VCF-style: chr14-45148898-C-A. GRCh37 (hg19) VCF-style: chr14-45618101-C-A.
Other names: c.743C>A, p.Ser248Tyr (NM_001308133.2); c.821C>A, p.Ser274Tyr (NM_001308134.2); short protein forms S274Y, S248Y.
Identifiers: ClinVar variation 2844706 (VCV002844706.3), dbSNP rs2139151657, ClinGen allele CA389589896.